The following is an entry in ClinVar:

ClinVar aggregate classification (germline): Benign/Likely benign. Review status: criteria provided, multiple submitters, no conflicts (2 of 4 stars). 5 submissions from 5 submitters: Benign (3); Likely benign (1). 1 of the submissions does not count toward it. Last evaluated 2026-02-03.

Conditions:
DNAH9-related disorder. Also called: DNAH9-related condition.

Allele frequency attached by ClinVar (database versions not stated): 1000 Genomes Project 0.01278; 1000 Genomes Project 30x 0.01280; TOPMed 0.02260; gnomAD exomes 0.02685 and 0.03623; gnomAD 0.02687 and 0.02758; ESP Exome Variant Server 0.02706; ExAC 0.02739.
gnomAD v4.1: 56,491 of 1,608,420 alleles (3.5%); highest among the groups gnomAD compares: Non-Finnish European, 4%; 1,095 homozygotes.

Submissions (5):

Labcorp Genetics (formerly Invitae), Labcorp
Classification: Benign. Last evaluated: 2026-02-03. Review status: criteria provided, single submitter. Criteria: Invitae Variant Classification Sherloc (09022015). Collection method: clinical testing. Allele origin: germline.

Blueprint Genetics
Classification: Likely benign. Last evaluated: 2024-11-27. Review status: criteria provided, single submitter. Criteria: ACMG Guidelines, 2015. Collection method: clinical testing. Allele origin: germline.

Mayo Clinic Laboratories, Mayo Clinic
Classification: Benign. Last evaluated: 2023-05-15. Review status: criteria provided, single submitter. Criteria: ACMG Guidelines, 2015. Collection method: clinical testing. Allele origin: germline. Observed: 9 variant alleles.
Comment: BS1, BS2, BP7

Breakthrough Genomics
Classification: Benign. Review status: criteria provided, single submitter. Criteria: ACMG Guidelines, 2015. Collection method: not provided. Allele origin: germline. Inheritance: Autosomal recessive inheritance. Affected: yes.

PreventionGenetics, part of Exact Sciences
Classification: Benign for DNAH9-related condition. Last evaluated: 2019-11-25. Review status: no assertion criteria provided. Collection method: clinical testing. Allele origin: germline. Not counted in ClinVar's aggregate classification.
Comment: This variant is classified as benign based on ACMG/AMP sequence variant interpretation guidelines (Richards et al. 2015 PMID: 25741868, with internal and published modifications).

NM_001372.4(DNAH9):c.1788G>A (p.Gly596=)

Gene: DNAH9 (dynein axonemal heavy chain 9; plus strand). Cytogenetic location: 17p12.
Variant type: single nucleotide variant.
Coding change: c.1788G>A on transcript NM_001372.4 (MANE Select); coding-DNA position 1788, G replaced by A.
Protein change: p.Gly596=; no amino-acid change (glycine 596 retained).
Molecular consequence: synonymous variant.
Genome position (GRCh38, 1-based): chr17:11,640,271, G>A. VCF-style: chr17-11640271-G-A. GRCh37 (hg19) VCF-style: chr17-11543588-G-A.
Other names: p.Gly596=; c.1788G>A (NM_001372.3).
Identifiers: ClinVar variation 1531929 (VCV001531929.13), dbSNP rs17600516, ClinGen allele CA8394983.